The following is an entry in ClinVar:

ClinVar aggregate classification (germline): Likely pathogenic (1 of 4 stars; one submission).

Submission:

Labcorp Genetics (formerly Invitae), Labcorp
Classification: Likely pathogenic. Last evaluated: 2020-12-11. Review status: criteria provided, single submitter. Criteria: Invitae Variant Classification Sherloc (09022015). Collection method: clinical testing. Allele origin: germline.
Comment: In summary, the currently available evidence indicates that the variant is pathogenic, but additional data are needed to prove that conclusively. Therefore, this variant has been classified as Likely Pathogenic. This variant disrupts the p.Cys115 amino acid residue in NDUFS6. Other variant(s) that disrupt this residue have been determined to be pathogenic (PMID: 28429146, 30948790). This suggests that this residue is clinically significant, and that variants that disrupt this residue are likely to be disease-causing. This variant has not been reported in the literature in individuals with NDUFS6-related conditions. This variant is not present in population databases (ExAC no frequency). This sequence change results in a frameshift in the NDUFS6 gene (p.Cys112Trpfs*27). While this is not anticipated to result in nonsense mediated decay, it is expected to disrupt the last 13 amino acid(s) of the NDUFS6 protein and extend the protein by 13 additional amino acid residues.

Literature cited by the submitters: PubMed 28429146; PubMed 30948790.

NM_004553.6(NDUFS6):c.335dup (p.Cys112fs)

Gene: NDUFS6 (NADH:ubiquinone oxidoreductase subunit S6; plus strand). Cytogenetic location: 5p15.33.
Variant type: Duplication.
Coding change: c.335dup on transcript NM_004553.6 (MANE Select); coding-DNA position 335, one base duplicated (G; older notation c.335dupG).
Protein change: p.Cys112fs; shifts the reading frame from cysteine 112.
Molecular consequence: frameshift variant.
Genome position (GRCh38, 1-based): chr5:1,815,876, G duplicated. VCF-style (leftmost placement, unchanged base first): chr5-1815875-T-TG. GRCh37 (hg19) VCF-style: chr5-1815989-T-TG.
Other names: short protein forms C112fs.
Identifiers: ClinVar variation 1509610 (VCV001509610.8), dbSNP rs2111364865, ClinGen allele CA2573138583.
Genomic context (GRCh38, chr5:1,815,875, plus strand): 5'-TGGAAATATGACATCATTCCTTTTGAATTTTTTCAGGACAAAGAAACAAAAACCGGCACA[T>TG]GCGGTTACTGTGGGCTCCAGTTCAGACAGCACCACCACTAGAGCGTGTGGCACGCCGGGG-3'